The following is an entry in ClinVar:

ClinVar aggregate classification (germline): Uncertain significance. Review status: criteria provided, multiple submitters, no conflicts (2 of 4 stars). 2 submissions from 2 submitters: Uncertain significance (2). Last evaluated 2025-09-09.

Conditions:
Inborn genetic diseases. Identifiers: MedGen C0950123, MeSH D030342.

gnomAD v4.1: 13 of 1,614,080 alleles (0.00081%); highest among the groups gnomAD compares: Non-Finnish European, 0.0011%; no homozygotes.

Submissions (2):

Ambry Genetics
Classification: Uncertain significance for Inborn genetic diseases. Last evaluated: 2025-09-09. Review status: criteria provided, single submitter. Criteria: Ambry Variant Classification Scheme 2023. Collection method: clinical testing. Allele origin: germline.

Labcorp Genetics (formerly Invitae), Labcorp
Classification: Uncertain significance. Last evaluated: 2024-05-02. Review status: criteria provided, single submitter. Criteria: Invitae Variant Classification Sherloc (09022015). Collection method: clinical testing. Allele origin: germline.
Comment: This sequence change replaces threonine, which is neutral and polar, with asparagine, which is neutral and polar, at codon 70 of the PDYN protein (p.Thr70Asn). This variant is present in population databases (no rsID available, gnomAD 0.002%). This variant has not been reported in the literature in individuals affected with PDYN-related conditions. Advanced modeling of protein sequence and biophysical properties (such as structural, functional, and spatial information, amino acid conservation, physicochemical variation, residue mobility, and thermodynamic stability) performed at Invitae indicates that this missense variant is not expected to disrupt PDYN protein function with a negative predictive value of 80%. In summary, the available evidence is currently insufficient to determine the role of this variant in disease. Therefore, it has been classified as a Variant of Uncertain Significance.

NM_024411.5(PDYN):c.209C>A (p.Thr70Asn)

Genes: PDYN-AS1 (PDYN antisense RNA 1; plus strand), PDYN (prodynorphin; minus strand). Cytogenetic location: 20p13.
Variant type: single nucleotide variant.
Coding change: c.209C>A on transcript NM_024411.5 (MANE Select); coding-DNA position 209, C replaced by A.
Protein change: p.Thr70Asn; replaces threonine 70 with asparagine.
Molecular consequence: missense variant.
Genome position (GRCh38, 1-based): chr20:1,980,879, G>T on the plus strand (C>A on the coding strand, the complement: PDYN is on the minus strand). VCF-style: chr20-1980879-G-T. GRCh37 (hg19) VCF-style: chr20-1961525-G-T.
Other names: c.209C>A (NM_024411.4); c.209C>A, p.Thr70Asn (NM_001190892.1, NM_001190898.3, NM_001190899.2 and 1 more transcripts); short protein forms T70N.
Identifiers: ClinVar variation 3718746 (VCV003718746.3).
Genomic context (GRCh38, chr20:1,980,879, plus strand): 5'-CCTTCCCCAACCGACTTGCTCCCCAAGTCCTCCTTGTCATTGAGCCCAAGGGTGGAGGGG[G>T]TGAAAAAAGACAGAAAGCTCTGGCATCTCTCCCATTCCTCAGAGGGCAGCAGGGCAGCCT-3'
Protein context (NP_077722.1, residues 60-80): ERCQSFLSFF[Thr70Asn]PSTLGLNDKE